The following is an entry in ClinVar:

ClinVar aggregate classification (germline): Likely benign (1 of 4 stars; one submission).

Allele frequency attached by ClinVar (database versions not stated): gnomAD exomes below 0.00001.
gnomAD v4.1: 1 of 1,614,138 alleles (0.000062%); highest among the groups gnomAD compares: South Asian, 0.0011%; no homozygotes.

Submission:

CeGaT Center for Human Genetics Tuebingen
Classification: Likely benign. Last evaluated: 2022-05-01. Review status: criteria provided, single submitter. Criteria: CeGaT Center For Human Genetics Tuebingen Variant Classification Criteria Version 2. Collection method: clinical testing. Allele origin: germline. Affected: yes. Observed: 1 variant allele.
Comment: HERC2: PM2:Supporting, BP4, BP7

NM_004667.6(HERC2):c.1932C>T (p.Gly644=)

Gene: HERC2 (HECT and RLD domain containing E3 ubiquitin protein ligase 2; minus strand). Cytogenetic location: 15q13.1.
Variant type: single nucleotide variant.
Coding change: c.1932C>T on transcript NM_004667.6 (MANE Select); coding-DNA position 1932, C replaced by T.
Protein change: p.Gly644=; no amino-acid change (glycine 644 retained).
Molecular consequence: synonymous variant.
Genome position (GRCh38, 1-based): chr15:28,263,108, G>A on the plus strand (C>T on the coding strand, the complement: HERC2 is on the minus strand). VCF-style: chr15-28263108-G-A. GRCh37 (hg19) VCF-style: chr15-28508254-G-A.
Identifiers: ClinVar variation 2645078 (VCV002645078.24), dbSNP rs2549316285, ClinGen allele CA489235997.